The following is an entry in ClinVar:

NM_000038.6(APC):c.7349C>T (p.Pro2450Leu)

Gene: APC (APC regulator of Wnt signaling pathway; plus strand). Cytogenetic location: 5q22.2.
Variant type: single nucleotide variant.
Coding change: c.7349C>T on transcript NM_000038.6 (MANE Select); coding-DNA position 7349, C replaced by T.
Protein change: p.Pro2450Leu; replaces proline 2450 with leucine.
Molecular consequence: missense variant.
Genome position (GRCh38, 1-based): chr5:112,842,943, C>T. VCF-style: chr5-112842943-C-T. GRCh37 (hg19) VCF-style: chr5-112178640-C-T.
Other names: c.7349C>T, p.Pro2450Leu (NM_001127510.3, NM_001354895.2); c.7295C>T, p.Pro2432Leu (NM_001127511.3); c.7403C>T, p.Pro2468Leu (NM_001354896.2); c.7379C>T, p.Pro2460Leu (NM_001354897.2); c.7274C>T, p.Pro2425Leu (NM_001354898.2); c.7265C>T, p.Pro2422Leu (NM_001354899.2); c.7226C>T, p.Pro2409Leu (NM_001354900.2); c.7172C>T, p.Pro2391Leu (NM_001354901.2); and 6 more; short protein forms P2167L, P2290L, P2324L, P2349L, P2359L, P2391L, P2409L, P2422L.
Identifiers: ClinVar variation 1013851 (VCV001013851.11), dbSNP rs1489688452, ClinGen allele CA16037338.

ClinVar aggregate classification (germline): Uncertain significance. Review status: criteria provided, multiple submitters, no conflicts (2 of 4 stars). 2 submissions from 2 submitters: Uncertain significance (2). Last evaluated 2024-12-18.

Conditions:
Hereditary cancer-predisposing syndrome. Also called: Hereditary Cancer Syndrome; Tumor predisposition; Neoplastic Syndromes, Hereditary; Hereditary neoplastic syndrome. Identifiers: Orphanet 140162, MedGen C0027672, MeSH D009386, MONDO:0015356.
Familial adenomatous polyposis 1 (FAP1). Also called: FAMILIAL ADENOMATOUS POLYPOSIS 1, ATTENUATED; POLYPOSIS, ADENOMATOUS INTESTINAL. Identifiers: MedGen C2713442, MONDO:0021056, OMIM 175100. Disease mechanism: loss of function.

Allele frequency attached by ClinVar (database versions not stated): gnomAD exomes below 0.00001.
gnomAD v4.1: 2 of 1,613,950 alleles (0.00012%); highest among the groups gnomAD compares: Non-Finnish European, 0.00017%; no homozygotes.

Submissions (2):

Labcorp Genetics (formerly Invitae), Labcorp
Classification: Uncertain significance for Familial adenomatous polyposis 1. Last evaluated: 2024-12-18. Review status: criteria provided, single submitter. Criteria: Invitae Variant Classification Sherloc (09022015). Collection method: clinical testing. Allele origin: germline.
Comment: This sequence change replaces proline, which is neutral and non-polar, with leucine, which is neutral and non-polar, at codon 2450 of the APC protein (p.Pro2450Leu). This variant is present in population databases (no rsID available, gnomAD 0.0009%). This variant has not been reported in the literature in individuals affected with APC-related conditions. ClinVar contains an entry for this variant (Variation ID: 1013851). Invitae Evidence Modeling of protein sequence and biophysical properties (such as structural, functional, and spatial information, amino acid conservation, physicochemical variation, residue mobility, and thermodynamic stability) indicates that this missense variant is not expected to disrupt APC protein function with a negative predictive value of 95%. In summary, the available evidence is currently insufficient to determine the role of this variant in disease. Therefore, it has been classified as a Variant of Uncertain Significance.

Ambry Genetics
Classification: Uncertain significance for Hereditary cancer-predisposing syndrome. Last evaluated: 2024-08-24. Review status: criteria provided, single submitter. Criteria: Ambry Variant Classification Scheme 2023. Collection method: clinical testing. Allele origin: germline.
Comment: The p.P2450L variant (also known as c.7349C>T), located in coding exon 15 of the APC gene, results from a C to T substitution at nucleotide position 7349. The proline at codon 2450 is replaced by leucine, an amino acid with similar properties. This amino acid position is conserved. In addition, in silico predictors for this gene do not accurately predict pathogenicity. Based on the available evidence, the clinical significance of this variant remains unclear.